The following is an entry in ClinVar:

ClinVar aggregate classification (germline): Uncertain significance (1 of 4 stars; one submission).

Conditions:
Inborn genetic diseases. Identifiers: MedGen C0950123, MeSH D030342.

Allele frequency attached by ClinVar (database versions not stated): gnomAD exomes 0.00001; ExAC 0.00002.
gnomAD v4.1: 9 of 1,584,946 alleles (0.00057%); highest among the groups gnomAD compares: Middle Eastern, 0.017%; no homozygotes.

Submission:

Ambry Genetics
Classification: Uncertain significance for Inborn genetic diseases. Last evaluated: 2023-08-30. Review status: criteria provided, single submitter. Criteria: Ambry Variant Classification Scheme 2023. Collection method: clinical testing. Allele origin: germline.
Comment: The p.I323V variant (also known as c.967A>G), located in coding exon 9 of the LRRK2 gene, results from an A to G substitution at nucleotide position 967. The isoleucine at codon 323 is replaced by valine, an amino acid with highly similar properties. This amino acid position is conserved. In addition, this alteration is predicted to be tolerated by in silico analysis. Since supporting evidence is limited at this time, the clinical significance of this alteration remains unclear.

NM_198578.4(LRRK2):c.967A>G (p.Ile323Val)

Gene: LRRK2 (leucine rich repeat kinase 2; plus strand). Cytogenetic location: 12q12.
Variant type: single nucleotide variant.
Coding change: c.967A>G on transcript NM_198578.4 (MANE Select); coding-DNA position 967, A replaced by G.
Protein change: p.Ile323Val; replaces isoleucine 323 with valine.
Molecular consequence: missense variant.
Genome position (GRCh38, 1-based): chr12:40,251,240, A>G. VCF-style: chr12-40251240-A-G. GRCh37 (hg19) VCF-style: chr12-40645042-A-G.
Other names: short protein forms I323V.
Identifiers: ClinVar variation 1767757 (VCV001767757.3), dbSNP rs765457063, ClinGen allele CA6513254.